The following is an entry in ClinVar:

NM_000254.3(MTR):c.3570G>A (p.Trp1190Ter)

Gene: MTR (5-methyltetrahydrofolate-homocysteine methyltransferase; plus strand). Cytogenetic location: 1q43.
Variant type: single nucleotide variant.
Coding change: c.3570G>A on transcript NM_000254.3 (MANE Select); coding-DNA position 3570, G replaced by A.
Protein change: p.Trp1190Ter; replaces tryptophan 1190 with a stop codon.
Molecular consequence: nonsense.
Genome position (GRCh38, 1-based): chr1:236,895,522, G>A. VCF-style: chr1-236895522-G-A. GRCh37 (hg19) VCF-style: chr1-237058822-G-A.
Other names: c.3417G>A, p.Trp1139Ter (NM_001291939.1); c.2349G>A, p.Trp783Ter (NM_001291940.2); c.3381G>A, p.Trp1127Ter (NM_001410942.1); short protein forms W1139*, W1190*, W783*, W1127*.
Identifiers: ClinVar variation 2693476 (VCV002693476.3), dbSNP rs2528537380, ClinGen allele CA345390489.
Genomic context (GRCh38, chr1:236,895,522, plus strand): 5'-CATCCGCCCGGCTCCTGGCTACCCCAGCCAGCCCGACCACACCGAGAAGCTCACCATGTG[G>A]AGACTCGCAGACATCGAGCAGTCTACAGGTAGGAGCCAGGAGGCTGCGGGTTCCTGTCTT-3'

ClinVar aggregate classification (germline): Pathogenic (1 of 4 stars; one submission).

Conditions:
Methylcobalamin deficiency type cblG (HMAG). Also called: HOMOCYSTINURIA-MEGALOBLASTIC ANEMIA, cblG TYPE; HOMOCYSTINURIA-MEGALOBLASTIC ANEMIA DUE TO DEFECT IN COBALAMIN METABOLISM, cblG COMPLEMENTATION TYPE; Functional methionine synthase deficiency type cblG; HOMOCYSTINURIA-MEGALOBLASTIC ANEMIA, cblG COMPLEMENTATION TYPE. Identifiers: Orphanet 2170, Orphanet 622, MedGen C1855128, MONDO:0009609, OMIM 250940.

Submission:

Labcorp Genetics (formerly Invitae), Labcorp
Classification: Pathogenic for Methylcobalamin deficiency type cblG. Last evaluated: 2023-11-05. Review status: criteria provided, single submitter. Criteria: Invitae Variant Classification Sherloc (09022015). Collection method: clinical testing. Allele origin: germline.
Comment: This sequence change creates a premature translational stop signal (p.Trp1190*) in the MTR gene. It is expected to result in an absent or disrupted protein product. Loss-of-function variants in MTR are known to be pathogenic (PMID: 9683607, 12068375). This variant is not present in population databases (gnomAD no frequency). This variant has not been reported in the literature in individuals affected with MTR-related conditions. For these reasons, this variant has been classified as Pathogenic.

Literature cited by the submitters: PubMed 9683607; PubMed 12068375.